The following is an entry in ClinVar:

NM_001848.3(COL6A1):c.787G>A (p.Gly263Ser)

Gene: COL6A1 (collagen type VI alpha 1 chain; plus strand). Cytogenetic location: 21q22.3.
Variant type: single nucleotide variant.
Coding change: c.787G>A on transcript NM_001848.3 (MANE Select); coding-DNA position 787, G replaced by A.
Protein change: p.Gly263Ser; replaces glycine 263 with serine.
Molecular consequence: missense variant.
Genome position (GRCh38, 1-based): chr21:45,987,637, G>A. VCF-style: chr21-45987637-G-A. GRCh37 (hg19) VCF-style: chr21-47407551-G-A.
Other names: short protein forms G263S.
Identifiers: ClinVar variation 4717252 (VCV004717252.1).

ClinVar aggregate classification (germline): Likely pathogenic (1 of 4 stars; one submission).

Conditions:
Bethlem myopathy 1A. Also called: MYOPATHY, BENIGN CONGENITAL, WITH CONTRACTURES; Bethlem myopathy 1; Bethlem Muscular Dystrophy. Identifiers: Orphanet 610, MedGen CN029274, MONDO:0024530, OMIM 158810.

Submission:

Labcorp Genetics (formerly Invitae), Labcorp
Classification: Likely pathogenic for Bethlem myopathy 1A. Last evaluated: 2025-05-08. Review status: criteria provided, single submitter. Criteria: Invitae Variant Classification Sherloc (09022015). Collection method: clinical testing. Allele origin: germline.
Comment: This sequence change replaces glycine, which is neutral and non-polar, with serine, which is neutral and polar, at codon 263 of the COL6A1 protein (p.Gly263Ser). This variant is not present in population databases (gnomAD no frequency). This variant has not been reported in the literature in individuals affected with COL6A1-related conditions. Invitae Evidence Modeling of protein sequence and biophysical properties (such as structural, functional, and spatial information, amino acid conservation, physicochemical variation, residue mobility, and thermodynamic stability) indicates that this missense variant is expected to disrupt COL6A1 protein function with a positive predictive value of 80%. This variant disrupts the triple helix domain of COL6A1. Glycine residues within the Gly-Xaa-Yaa repeats of the triple helix domain are required for the structure and stability of fibrillar collagens (PMID: 7695699, 8218237, 19344236). In COL6A1, variants at these glycine residues are significantly enriched in individuals with autosomal dominant disease (PMID: 15689448, 24038877) compared to the general population (ExAC). This variant disrupts the p. Gly263 amino acid residue in COL6A1. Other variant(s) that disrupt this residue have been observed in individuals with COL6A1-related conditions (PMID: 24038877, 38155714), which suggests that this may be a clinically significant amino acid residue. In summary, the currently available evidence indicates that the variant is pathogenic, but additional data are needed to prove that conclusively. Therefore, this variant has been classified as Likely Pathogenic.

Literature cited by the submitters: PubMed 7695699; PubMed 8218237; PubMed 19344236; PubMed 15689448; PubMed 24038877; PubMed 38155714.